The following is an entry in ClinVar:

ClinVar aggregate classification (germline): Pathogenic (1 of 4 stars; one submission).

Conditions:
Combined immunodeficiency due to LRBA deficiency. Also called: Common variable immunodeficiency 8, with autoimmunity. Identifiers: Orphanet 445018, MedGen C3553512, MONDO:0013863, OMIM 614700.

Submission:

Labcorp Genetics (formerly Invitae), Labcorp
Classification: Pathogenic for Combined immunodeficiency due to LRBA deficiency. Last evaluated: 2024-07-04. Review status: criteria provided, single submitter. Criteria: Invitae Variant Classification Sherloc (09022015). Collection method: clinical testing. Allele origin: germline.
Comment: This sequence change creates a premature translational stop signal (p.Ser347Leufs*8) in the LRBA gene. It is expected to result in an absent or disrupted protein product. Loss-of-function variants in LRBA are known to be pathogenic (PMID: 26206937, 26768763). This variant is not present in population databases (gnomAD no frequency). This variant has not been reported in the literature in individuals affected with LRBA-related conditions. For these reasons, this variant has been classified as Pathogenic.

Literature cited by the submitters: PubMed 26206937; PubMed 26768763.

NM_001364905.1(LRBA):c.1034dup (p.Ser347fs)

Gene: LRBA (LPS responsive beige-like anchor protein; minus strand). Cytogenetic location: 4q31.3.
Variant type: Duplication.
Coding change: c.1034dup on transcript NM_001364905.1 (MANE Select); coding-DNA position 1034, one base duplicated (T; older notation c.1034dupT).
Protein change: p.Ser347fs; shifts the reading frame from serine 347.
Molecular consequence: frameshift variant.
Genome position (GRCh38, 1-based): chr4:150,914,322, A duplicated on the plus strand (T on the coding strand, the reverse complement: LRBA is on the minus strand). VCF-style (leftmost placement, unchanged base first): chr4-150914321-C-CA. GRCh37 (hg19) VCF-style: chr4-151835473-C-CA.
Other names: c.1034dup, p.Ser347Leufs (NM_001199282.3, NM_006726.5); c.1034dup, p.Ser347fs (NM_001367550.1); short protein forms S347fs.
Identifiers: ClinVar variation 3650867 (VCV003650867.2).
Genomic context (GRCh38, chr4:150,914,321, plus strand): 5'-GTAAACTGCAGTCATCTGACCACAGAATACTCTATTAGCATCTGCTGTTTCTGATGAGCC[C>CA]AGGAAACATTTGTCAAAGGTCTGTAAAAGAAAAAAAAAAAGGAATTAGGAAAAAACAAAA-3'